The following is an entry in ClinVar:

ClinVar aggregate classification (germline): Uncertain significance. Review status: criteria provided, multiple submitters, no conflicts (2 of 4 stars). 3 submissions from 3 submitters: Uncertain significance (3). Last evaluated 2024-07-25.

Conditions:
Marfan syndrome (MFS). Also called: MARFAN SYNDROME, TYPE I; Marfan syndrome type 1; Marfan's syndrome; Marfan syndrome, classic; FBN1-Related Marfan Syndrome. Identifiers: Orphanet 284963, Orphanet 558, MedGen C0024796, MONDO:0007947, OMIM 154700.
Familial thoracic aortic aneurysm and aortic dissection (TAAD). Also called: Thoracic aortic aneurysms and dissections. Identifiers: Orphanet 91387, MedGen C4707243, MONDO:0019625.

Allele frequency attached by ClinVar (database versions not stated): gnomAD exomes below 0.00001.
gnomAD v4.1: 6 of 1,614,176 alleles (0.00037%); highest among the groups gnomAD compares: Non-Finnish European, 0.00051%; no homozygotes.

Submissions (3):

ARUP Laboratories, Molecular Genetics and Genomics, ARUP Laboratories
Classification: Uncertain significance. Last evaluated: 2024-07-25. Review status: criteria provided, single submitter. Criteria: ARUP Molecular Germline Variant Investigation Process 2024. Collection method: clinical testing. Allele origin: germline.
Comment: The FBN1 c.1895A>G; p.Asp632Gly variant, to our knowledge, is not reported in the medical literature or gene specific databases. This variant is also absent from the Genome Aggregation Database (v2.1.1), indicating it is not a common polymorphism. Computational analyses are uncertain whether this variant is neutral or deleterious (REVEL: 0.279). Due to limited information, the clinical significance of this variant is uncertain at this time.

Color Diagnostics, LLC DBA Color Health
Classification: Uncertain significance for Familial thoracic aortic aneurysm and aortic dissection. Last evaluated: 2024-03-06. Review status: criteria provided, single submitter. Criteria: ACMG Guidelines, 2015. Collection method: clinical testing. Allele origin: germline.
Comment: This missense variant replaces aspartic acid with glycine at codon 632 of the FBN1 protein. Computational prediction suggests that this variant may not impact protein structure and function. To our knowledge, functional studies have not been reported for this variant. This variant has not been reported in individuals affected with cardiovascular disorders in the literature. This variant has not been identified in the general population by the Genome Aggregation Database (gnomAD). The available evidence is insufficient to determine the role of this variant in disease conclusively. Therefore, this variant is classified as a Variant of Uncertain Significance.

All of Us Research Program, National Institutes of Health
Classification: Uncertain significance for Marfan syndrome. Last evaluated: 2022-12-04. Review status: criteria provided, single submitter. Criteria: ACMG Guidelines, 2015. Collection method: clinical testing. Allele origin: germline. Inheritance: Autosomal dominant inheritance. Observed: 1 variant allele, 1 heterozygote.
Comment: This missense variant replaces aspartic acid with glycine at codon 632 of the FBN1 protein. Computational prediction suggests that this variant may not impact protein structure and function (internally defined REVEL score threshold <= 0.5, PMID: 27666373). To our knowledge, functional studies have not been reported for this variant. This variant has not been reported in individuals affected with cardiovascular disorders in the literature. This variant has not been identified in the general population by the Genome Aggregation Database (gnomAD). The available evidence is insufficient to determine the role of this variant in disease conclusively. Therefore, this variant is classified as a Variant of Uncertain Significance.

This study involves interpretation of variants in research participants for the purpose of population health screening. Participant phenotype was not available at the time of variant classification. Additional details can be found in publication PMID: 35346344, PMCID: PMC8962531

NM_000138.5(FBN1):c.1895A>G (p.Asp632Gly)

Gene: FBN1 (fibrillin 1; minus strand). Cytogenetic location: 15q21.1.
Variant type: single nucleotide variant.
Coding change: c.1895A>G on transcript NM_000138.5 (MANE Select); coding-DNA position 1895, A replaced by G.
Protein change: p.Asp632Gly; replaces aspartic acid 632 with glycine.
Molecular consequence: missense variant.
Genome position (GRCh38, 1-based): chr15:48,505,090, T>C on the plus strand (A>G on the coding strand, the complement: FBN1 is on the minus strand). VCF-style: chr15-48505090-T-C. GRCh37 (hg19) VCF-style: chr15-48797287-T-C.
Other names: c.1895A>G, p.Asp632Gly (NM_001406716.1); short protein forms D632G.
Identifiers: ClinVar variation 3069213 (VCV003069213.3), dbSNP rs2505594965, ClinGen allele CA392339089.